The following is an entry in ClinVar:

NM_006087.4(TUBB4A):c.485G>T (p.Arg162Leu)

Gene: TUBB4A (tubulin beta 4A class IVa; minus strand). Cytogenetic location: 19p13.3.
Variant type: single nucleotide variant.
Coding change: c.485G>T on transcript NM_006087.4 (MANE Select); coding-DNA position 485, G replaced by T.
Protein change: p.Arg162Leu; replaces arginine 162 with leucine.
Molecular consequence: missense variant.
Genome position (GRCh38, 1-based): chr19:6,496,014, C>A on the plus strand (G>T on the coding strand, the complement: TUBB4A is on the minus strand). VCF-style: chr19-6496014-C-A. GRCh37 (hg19) VCF-style: chr19-6496025-C-A.
Other names: c.638G>T, p.Arg213Leu (NM_001289123.2); c.620G>T, p.Arg207Leu (NM_001289127.2); c.485G>T, p.Arg162Leu (NM_001289129.2); c.269G>T, p.Arg90Leu (NM_001289130.2, NM_001289131.2); short protein forms R162L, R207L, R213L, R90L.
Identifiers: ClinVar variation 4293528 (VCV004293528.1).

ClinVar aggregate classification (germline): Uncertain significance (1 of 4 stars; one submission).

Conditions:
Leukodystrophy, hypomyelinating, 6. Also called: Hypomyelination with Atrophy of Basal Ganglia and Cerebellum (H-ABC); LEUKODYSTROPHY, HYPOMYELINATING, WITH ATROPHY OF THE BASAL GANGLIA AND CEREBELLUM; TUBB4A-Associated Leukodystrophy. Identifiers: Orphanet 139441, MedGen C2676244, MONDO:0012905, OMIM 612438.

Submission:

3billion
Classification: Uncertain significance for Leukodystrophy, hypomyelinating, 6. Last evaluated: 2025-01-10. Review status: criteria provided, single submitter. Criteria: ACMG Guidelines, 2015. Collection method: clinical testing. Allele origin: germline. Affected: yes.
Comment: The variant is not observed in the gnomAD v4.1.0 dataset. Predicted Consequence/Location: Missense variant. Missense changes are a common disease-causing mechanism. In silico tool predictions suggest damaging effect of the variant on gene or gene product [REVEL: 0.81 (>=0.6, sensitivity 0.68 and specificity 0.92); 3Cnet: 1.00 (>=0.6, sensitivity 0.72 and precision 0.9)]. Therefore, this variant is classified as VUS according to the recommendation of ACMG/AMP guideline.